The following is an entry in ClinVar:

ClinVar aggregate classification (germline): Uncertain significance (1 of 4 stars; one submission).

Conditions:
Inborn genetic diseases. Identifiers: MedGen C0950123, MeSH D030342.

Submission:

Ambry Genetics
Classification: Uncertain significance for Inborn genetic diseases. Last evaluated: 2026-08-22. Review status: criteria provided, single submitter. Criteria: Ambry Variant Classification Scheme 2023. Collection method: clinical testing. Allele origin: germline.
Comment: The p.S36R variant (also known as c.108C>G), located in coding exon 2 of the USB1 gene, results from a C to G substitution at nucleotide position 108. The serine at codon 36 is replaced by arginine, an amino acid with dissimilar properties. This amino acid position is conserved. In addition, this alteration is predicted to be tolerated by in silico analysis. Based on the available evidence, the clinical significance of this variant remains unclear.

NM_024598.4(USB1):c.108C>G (p.Ser36Arg)

Gene: USB1 (U6 snRNA biogenesis phosphodiesterase 1; plus strand). Cytogenetic location: 16q21.
Variant type: single nucleotide variant.
Coding change: c.108C>G on transcript NM_024598.4 (MANE Select); coding-DNA position 108, C replaced by G.
Protein change: p.Ser36Arg; replaces serine 36 with arginine.
Molecular consequence: missense variant. On other transcripts: 5 prime UTR variant (1).
Genome position (GRCh38, 1-based): chr16:58,002,488, C>G. VCF-style: chr16-58002488-C-G. GRCh37 (hg19) VCF-style: chr16-58036392-C-G.
Other names: c.108C>G, p.Ser36Arg (NM_001195302.2, NM_001204911.2, NM_001330569.2); c.-46C>G (NM_001330568.2); short protein forms S36R.
Identifiers: ClinVar variation 5031623 (VCV005031623.1).